The following is an entry in ClinVar:

NM_001329943.3(KIAA0586):c.3510A>T (p.Glu1170Asp)

Gene: KIAA0586 (KIAA0586; plus strand). Cytogenetic location: 14q23.1.
Variant type: single nucleotide variant.
Coding change: c.3510A>T on transcript NM_001329943.3 (MANE Select); coding-DNA position 3510, A replaced by T.
Protein change: p.Glu1170Asp; replaces glutamic acid 1170 with aspartic acid.
Molecular consequence: missense variant.
Genome position (GRCh38, 1-based): chr14:58,488,092, A>T. VCF-style: chr14-58488092-A-T. GRCh37 (hg19) VCF-style: chr14-58954810-A-T.
Other names: c.3378A>T, p.Glu1126Asp (NM_001244192.2); c.3090A>T, p.Glu1030Asp (NM_001244193.2); c.3510A>T, p.Glu1170Asp (NM_001329944.2, NM_001329946.2, NM_001329947.2); c.3255A>T, p.Glu1085Asp (NM_001329945.2, NM_001364700.1, NM_001364701.2 and 1 more transcripts); c.3282A>T, p.Glu1094Asp (NM_014749.5); c.3669A>T, p.Glu1223Asp (NM_001244189.2); c.3465A>T, p.Glu1155Asp (NM_001244190.2); short protein forms E1094D, E1223D, E1126D, E1170D, E1085D, E1030D, E1155D.
Identifiers: ClinVar variation 2095154 (VCV002095154.4), dbSNP rs1248220248, ClinGen allele CA389882254.

ClinVar aggregate classification (germline): Uncertain significance (1 of 4 stars; one submission).

Conditions:
Joubert syndrome 23 (JBTS23). Identifiers: Orphanet 475, MedGen C4084822, MONDO:0014664, OMIM 616490.
Short-rib thoracic dysplasia 14 with polydactyly (SRTD14). Identifiers: Orphanet 397715, MedGen C4225286, MONDO:0014688, OMIM 616546.

Submission:

Labcorp Genetics (formerly Invitae), Labcorp
Classification: Uncertain significance for Joubert syndrome 23; Short-rib thoracic dysplasia 14 with polydactyly. Last evaluated: 2022-07-19. Review status: criteria provided, single submitter. Criteria: Invitae Variant Classification Sherloc (09022015). Collection method: clinical testing. Allele origin: germline.
Comment: In summary, the available evidence is currently insufficient to determine the role of this variant in disease. Therefore, it has been classified as a Variant of Uncertain Significance. Algorithms developed to predict the effect of missense changes on protein structure and function (SIFT, PolyPhen-2, Align-GVGD) all suggest that this variant is likely to be tolerated. This variant has not been reported in the literature in individuals affected with KIAA0586-related conditions. This variant is not present in population databases (gnomAD no frequency). This sequence change replaces glutamic acid, which is acidic and polar, with aspartic acid, which is acidic and polar, at codon 1223 of the KIAA0586 protein (p.Glu1223Asp).